The following is an entry in ClinVar:

NM_001848.3(COL6A1):c.1002+50C>A

Gene: COL6A1 (collagen type VI alpha 1 chain; plus strand). Cytogenetic location: 21q22.3.
Variant type: single nucleotide variant.
Coding change: c.1002+50C>A on transcript NM_001848.3 (MANE Select); 50 bases into the intron after coding-DNA position 1002, C replaced by A.
Molecular consequence: intron variant.
Genome position (GRCh38, 1-based): chr21:45,990,472, C>A. VCF-style: chr21-45990472-C-A. GRCh37 (hg19) VCF-style: chr21-47410386-C-A.
Identifiers: ClinVar variation 93799 (VCV000093799.6), dbSNP rs11702079, ClinGen allele CA147305.

ClinVar aggregate classification (germline): Benign/Likely benign. Review status: criteria provided, multiple submitters, no conflicts (2 of 4 stars). 3 submissions from 3 submitters: Benign (1); Likely benign (2). Last evaluated 2018-06-19.

Allele frequency attached by ClinVar (database versions not stated): 1000 Genomes Project 0.05891; gnomAD 0.09228.

Submissions (3):

GeneDx
Classification: Likely benign. Last evaluated: 2018-06-19. Review status: criteria provided, single submitter. Criteria: GeneDx Variant Classification (06012015). Collection method: clinical testing. Allele origin: germline. Affected: yes.
Comment: This variant is considered likely benign or benign based on one or more of the following criteria: it is a conservative change, it occurs at a poorly conserved position in the protein, it is predicted to be benign by multiple in silico algorithms, and/or has population frequency not consistent with disease.

Eurofins Ntd Llc (ga)
Classification: Benign. Last evaluated: 2012-09-07. Review status: criteria provided, single submitter. Criteria: EGL Classification Definitions 2015. Collection method: clinical testing. Allele origin: germline. Observed: 3 variant alleles, 3 homozygotes.

Breakthrough Genomics
Classification: Likely benign. Review status: criteria provided, single submitter. Criteria: ACMG Guidelines, 2015. Collection method: not provided. Allele origin: germline. Inheritance: Autosomal recessive inheritance. Affected: yes.